The following is an entry in ClinVar:

ClinVar aggregate classification (germline): Likely benign. Review status: criteria provided, single submitter (1 of 4 stars). 2 submissions from 2 submitters: Likely benign (1). 1 of the submissions does not count toward it. Last evaluated 2022-09-01.

Conditions:
Protein Z deficiency. Identifiers: MedGen C3151465, MONDO:0013532, OMIM 614024.

Allele frequency attached by ClinVar (database versions not stated): gnomAD 0.00178; TOPMed 0.00190; ExAC 0.00201; 1000 Genomes Project 30x 0.00219; 1000 Genomes Project 0.00220; ESP Exome Variant Server 0.00231; gnomAD exomes 0.00250.
gnomAD v4.1: 3,879 of 1,613,960 alleles (0.24%); highest among the groups gnomAD compares: Non-Finnish European, 0.3%; 9 homozygotes.

Submissions (2):

CeGaT Center for Human Genetics Tuebingen
Classification: Likely benign. Last evaluated: 2022-09-01. Review status: criteria provided, single submitter. Criteria: CeGaT Center For Human Genetics Tuebingen Variant Classification Criteria Version 2. Collection method: clinical testing. Allele origin: germline. Affected: yes. Observed: 1 variant allele.
Comment: PROZ: BS2

Zotz-Klimas Genetics Lab, MVZ Zotz Klimas
Classification: Uncertain significance for Protein Z deficiency. Last evaluated: 2023-10-30. Review status: no assertion criteria provided. Collection method: clinical testing. Allele origin: germline. Affected: yes. Not counted in ClinVar's aggregate classification.

NM_003891.3(PROZ):c.776A>T (p.Glu259Val)

Genes: PCID2 (PCI domain containing 2; minus strand), PROZ (protein Z, vitamin K dependent plasma glycoprotein; plus strand). Cytogenetic location: 13q34.
Variant type: single nucleotide variant.
Coding change: c.776A>T on transcript NM_003891.3 (MANE Select); coding-DNA position 776, A replaced by T.
Protein change: p.Glu259Val; replaces glutamic acid 259 with valine.
Molecular consequence: missense variant.
Genome position (GRCh38, 1-based): chr13:113,171,678, A>T. VCF-style: chr13-113171678-A-T. GRCh37 (hg19) VCF-style: chr13-113825992-A-T.
Other names: c.842A>T, p.Glu281Val (NM_001256134.2); short protein forms E259V, E281V.
Identifiers: ClinVar variation 2627064 (VCV002627064.25), dbSNP rs146398692, ClinGen allele CA7061114.
Genomic context (GRCh38, chr13:113,171,678, plus strand): 5'-CGCTGATGATCAAGATAACGCACGTCCATGTGCACATGCGGTATGACGCGGACGCGGGGG[A>T]GAATGACCTGTCACTGCTGGAGCTGGAGTGGCCCATCCAGTGCCCAGGTGCGGGGCTCCC-3'
Protein context (NP_003882.1, residues 249-269): VHMRYDADAG[Glu259Val]NDLSLLELEW